The following is an entry in ClinVar:

NM_000536.4(RAG2):c.80A>G (p.Gln27Arg)

Gene: RAG2 (recombination activating 2; minus strand). Cytogenetic location: 11p12.
Variant type: single nucleotide variant.
Coding change: c.80A>G on transcript NM_000536.4 (MANE Select); coding-DNA position 80, A replaced by G.
Protein change: p.Gln27Arg; replaces glutamine 27 with arginine.
Molecular consequence: missense variant.
Genome position (GRCh38, 1-based): chr11:36,594,089, T>C on the plus strand (A>G on the coding strand, the complement: RAG2 is on the minus strand). VCF-style: chr11-36594089-T-C. GRCh37 (hg19) VCF-style: chr11-36615639-T-C.
Other names: c.80A>G, p.Gln27Arg (NM_001243785.2, NM_001243786.2); short protein forms Q27R.
Identifiers: ClinVar variation 1025559 (VCV001025559.8), dbSNP rs1851105662, ClinGen allele CA380144776.

ClinVar aggregate classification (germline): Uncertain significance (1 of 4 stars; one submission).

Conditions:
Severe combined immunodeficiency, autosomal recessive, T cell-negative, B cell-negative, NK cell-positive. Also called: SCID, T CELL-NEGATIVE, B CELL-NEGATIVE, NK CELL-POSITIVE; SCID, AR, T-cell negative, B-cell negative, NK cell-positive; Severe combined immunodeficiency due to complete RAG1/2 deficiency. Identifiers: Orphanet 331206, MedGen C1832322, MONDO:0011086, OMIM 601457.
Combined immunodeficiency with skin granulomas. Identifiers: Orphanet 157949, MedGen C2673536, MONDO:0009306, OMIM 233650.

Submission:

Labcorp Genetics (formerly Invitae), Labcorp
Classification: Uncertain significance for Combined immunodeficiency with skin granulomas; Severe combined immunodeficiency, autosomal recessive, T cell-negative, B cell-negative, NK cell-positive. Last evaluated: 2022-08-23. Review status: criteria provided, single submitter. Criteria: Invitae Variant Classification Sherloc (09022015). Collection method: clinical testing. Allele origin: germline.
Comment: This sequence change replaces glutamine, which is neutral and polar, with arginine, which is basic and polar, at codon 27 of the RAG2 protein (p.Gln27Arg). This variant is not present in population databases (gnomAD no frequency). In summary, the available evidence is currently insufficient to determine the role of this variant in disease. Therefore, it has been classified as a Variant of Uncertain Significance. Algorithms developed to predict the effect of missense changes on protein structure and function are either unavailable or do not agree on the potential impact of this missense change (SIFT: "Tolerated"; PolyPhen-2: "Possibly Damaging"; Align-GVGD: "Class C0"). ClinVar contains an entry for this variant (Variation ID: 1025559). This variant has not been reported in the literature in individuals affected with RAG2-related conditions.